The following is an entry in ClinVar:

NM_001360.3(DHCR7):c.727C>T (p.Pro243Ser)

Gene: DHCR7 (7-dehydrocholesterol reductase; minus strand). Cytogenetic location: 11q13.4.
Variant type: single nucleotide variant.
Coding change: c.727C>T on transcript NM_001360.3 (MANE Select); coding-DNA position 727, C replaced by T.
Protein change: p.Pro243Ser; replaces proline 243 with serine.
Molecular consequence: missense variant.
Genome position (GRCh38, 1-based): chr11:71,438,983, G>A on the plus strand (C>T on the coding strand, the complement: DHCR7 is on the minus strand). VCF-style: chr11-71438983-G-A. GRCh37 (hg19) VCF-style: chr11-71150029-G-A.
Other names: c.727C>T, p.Pro243Ser (NM_001163817.2); short protein forms P243S.
Identifiers: ClinVar variation 1478024 (VCV001478024.8), dbSNP rs1329227520, ClinGen allele CA381703395.
Genomic context (GRCh38, chr11:71,438,983, plus strand): 5'-GGAGCTCCCGCTGCTTCGCTGCGAAGGACAGGTTGATGAGGGTCCAGGCGACGATCCCGG[G>A]GCGCCCATTGAAGAACAGCTTGAAGTCAAACCACTTCCCGATCCGAGGGTTAAACTCGAT-3'
Protein context (NP_001351.2, residues 233-253): FDFKLFFNGR[Pro243Ser]GIVAWTLINL

ClinVar aggregate classification (germline): Likely pathogenic. Review status: criteria provided, multiple submitters, no conflicts (2 of 4 stars). 2 submissions from 2 submitters: Likely pathogenic (2). Last evaluated 2025-05-18.

Conditions:
Smith-Lemli-Opitz syndrome (SLOS). Also called: 7-Dehydrocholesterol reductase deficiency; POLYDACTYLY, SEX REVERSAL, RENAL HYPOPLASIA, AND UNILOBAR LUNG; RSH SYNDROME; RUTLEDGE LETHAL MULTIPLE CONGENITAL ANOMALY SYNDROME; LETHAL ACRODYSGENITAL SYNDROME. Identifiers: Orphanet 818, MedGen C0175694, MONDO:0010035, OMIM 270400.

Allele frequency attached by ClinVar (database versions not stated): gnomAD exomes below 0.00001; gnomAD 0.00001.

Submissions (2):

Labcorp Genetics (formerly Invitae), Labcorp
Classification: Likely pathogenic for Smith-Lemli-Opitz syndrome. Last evaluated: 2025-05-18. Review status: criteria provided, single submitter. Criteria: Invitae Variant Classification Sherloc (09022015). Collection method: clinical testing. Allele origin: germline.
Comment: This sequence change replaces proline, which is neutral and non-polar, with serine, which is neutral and polar, at codon 243 of the DHCR7 protein (p.Pro243Ser). This variant is not present in population databases (gnomAD no frequency). This variant has not been reported in the literature in individuals affected with DHCR7-related conditions. ClinVar contains an entry for this variant (Variation ID: 1478024). Invitae Evidence Modeling of protein sequence and biophysical properties (such as structural, functional, and spatial information, amino acid conservation, physicochemical variation, residue mobility, and thermodynamic stability) indicates that this missense variant is expected to disrupt DHCR7 protein function with a positive predictive value of 95%. This variant disrupts the p.Pro243 amino acid residue in DHCR7. Other variant(s) that disrupt this residue have been determined to be pathogenic (PMID: 10814720, 12818773). This suggests that this residue is clinically significant, and that variants that disrupt this residue are likely to be disease-causing. In summary, the currently available evidence indicates that the variant is pathogenic, but additional data are needed to prove that conclusively. Therefore, this variant has been classified as Likely Pathogenic.

Department of Pathology and Laboratory Medicine, Sinai Health System
Classification: Likely pathogenic for Smith-Lemli-Opitz syndrome. Last evaluated: 2023-01-19. Review status: criteria provided, single submitter. Criteria: ACMG Guidelines, 2015. Collection method: research. Allele origin: germline.

Literature cited by the submitters: PubMed 10814720 (cited by Labcorp Genetics (formerly Invitae), Labcorp); PubMed 12818773 (cited by Labcorp Genetics (formerly Invitae), Labcorp).